The following is an entry in ClinVar:

ClinVar aggregate classification (germline): Likely benign (1 of 4 stars; one submission).

Submission:

CeGaT Center for Human Genetics Tuebingen
Classification: Likely benign. Last evaluated: 2025-05-01. Review status: criteria provided, single submitter. Criteria: CeGaT Center For Human Genetics Tuebingen Variant Classification Criteria Version 2. Collection method: clinical testing. Allele origin: germline. Affected: yes. Observed: 1 variant allele.
Comment: MYH9: PM2:Supporting, BP4, BP7

NM_002473.6(MYH9):c.3252G>A (p.Glu1084=)

Gene: MYH9 (myosin heavy chain 9; minus strand). Cytogenetic location: 22q12.3.
Variant type: single nucleotide variant.
Coding change: c.3252G>A on transcript NM_002473.6 (MANE Select); coding-DNA position 3252, G replaced by A.
Protein change: p.Glu1084=; no amino-acid change (glutamic acid 1084 retained).
Molecular consequence: synonymous variant.
Genome position (GRCh38, 1-based): chr22:36,296,863, C>T on the plus strand (G>A on the coding strand, the complement: MYH9 is on the minus strand). VCF-style: chr22-36296863-C-T. GRCh37 (hg19) VCF-style: chr22-36692909-C-T.
Identifiers: ClinVar variation 3905608 (VCV003905608.10).